The following is an entry in ClinVar:

ClinVar aggregate classification (germline): Uncertain significance (1 of 4 stars; one submission).

Conditions:
Hereditary cancer-predisposing syndrome. Also called: Neoplastic Syndromes, Hereditary; Tumor predisposition; Hereditary Cancer Syndrome; Hereditary neoplastic syndrome. Identifiers: Orphanet 140162, MedGen C0027672, MeSH D009386, MONDO:0015356.

Submission:

Ambry Genetics
Classification: Uncertain significance for Hereditary cancer-predisposing syndrome. Last evaluated: 2020-10-26. Review status: criteria provided, single submitter. Criteria: Ambry Variant Classification Scheme 2023. Collection method: clinical testing. Allele origin: germline.
Comment: The c.2967-7_2967-3delCCTCC intronic variant is located upstream from coding exon 26 in the TSC2 gene. This variant results from a deletion of 5 nucleotides at positions c.2967-7 to c.2967-3. The deleted region is well conserved in available vertebrate species and in silico splice site analysis predicts that this alteration will weaken the native splice acceptor site. Since supporting evidence is limited at this time, the clinical significance of this alteration remains unclear.

NM_000548.5(TSC2):c.2967-7_2967-3del

Gene: TSC2 (TSC complex subunit 2; plus strand). Cytogenetic location: 16p13.3.
Variant type: Deletion.
Coding change: c.2967-7_2967-3del on transcript NM_000548.5 (MANE Select); 7 bases into the intron before coding-DNA position 2967 through 3 bases into the intron before coding-DNA position 2967, 5 bases deleted (CCTCC; older notation c.2967-7_2967-3delCCTCC).
Molecular consequence: intron variant.
Genome position (GRCh38, 1-based): chr16:2,079,025-2,079,029, CCTCC deleted; deleting any 5 consecutive bases within chr16:2,079,024-2,079,029 gives the same sequence; the c. name uses the placement nearest the transcript's 3' end. VCF-style (leftmost placement, unchanged base first): chr16-2079023-TCCCTC-T. GRCh37 (hg19) VCF-style: chr16-2129024-TCCCTC-T.
Other names: c.2967-7_2967-3del (NM_001114382.3); c.2838-7_2838-3del (NM_021055.3, NM_001370405.1, NM_001363528.2); c.2838-10_2838-6del (NM_001370404.1, NM_001077183.3); c.2727-7_2727-3del (NM_001318827.2); c.2238-10_2238-6del (NM_001318831.2); c.2691-7_2691-3del (NM_001318829.2); c.2871-10_2871-6del (NM_001318832.2).
Identifiers: ClinVar variation 1798226 (VCV001798226.2), dbSNP rs2544023026, ClinGen allele CA2580090915.
Genomic context (GRCh38, chr16:2,079,023, plus strand): 5'-CCCTTGGTGATAGGTGGCTCGGCCCGCCCTACCTGGCACCCTGACCCTGGTCACGGCCTC[TCCCTC>T]CAGCAGGATACAGACGTCCCTCACCAGTGCCAGCTTGGGGTCTGCAGATGAGAACTCCGT-3'